The following is an entry in ClinVar:

NM_000023.4(SGCA):c.322_325dup (p.Asn109fs)

Gene: SGCA (sarcoglycan alpha; plus strand). Cytogenetic location: 17q21.33.
Variant type: Duplication.
Coding change: c.322_325dup on transcript NM_000023.4 (MANE Select); coding-DNA positions 322 to 325, 4 bases duplicated (TACA; older notation c.322_325dupTACA).
Protein change: p.Asn109fs; shifts the reading frame from asparagine 109.
Molecular consequence: frameshift variant. On other transcripts: non-coding transcript variant (1).
Genome position (GRCh38, 1-based): chr17:50,167,956-50,167,959, TACA duplicated. VCF-style (leftmost placement, unchanged base first): chr17-50167955-C-CTACA. GRCh37 (hg19) VCF-style: chr17-48245316-C-CTACA.
Other names: c.322_325dup, p.Asn109fs (NM_001135697.3); c.322_325dupTACA (NM_000023.2); short protein forms N109fs.
Identifiers: ClinVar variation 497103 (VCV000497103.17), dbSNP rs1555568518, ClinGen allele CA10606357.

ClinVar aggregate classification (germline): Pathogenic/Likely pathogenic. Review status: criteria provided, multiple submitters, no conflicts (2 of 4 stars). 4 submissions from 4 submitters: Pathogenic (3); Likely pathogenic (1). Last evaluated 2023-02-08.

Conditions:
Autosomal recessive limb-girdle muscular dystrophy type 2D (LGMDR3). Also called: MUSCULAR DYSTROPHY, LIMB-GIRDLE, AUTOSOMAL RECESSIVE 3; ADHALINOPATHY, PRIMARY; DUCHENNE-LIKE AUTOSOMAL RECESSIVE MUSCULAR DYSTROPHY, TYPE 2. Identifiers: Orphanet 62, MedGen C2936332, MONDO:0011968, OMIM 608099. Disease mechanism: Affects gamma-sarcoglycan and also disrupts the integrity of the entire sarcoglycan complex..

Submissions (4):

Genome-Nilou Lab
Classification: Pathogenic for Autosomal recessive limb-girdle muscular dystrophy type 2D. Last evaluated: 2023-02-08. Review status: criteria provided, single submitter. Criteria: ACMG Guidelines, 2015. Collection method: clinical testing. Allele origin: germline.

Labcorp Genetics (formerly Invitae), Labcorp
Classification: Pathogenic for Autosomal recessive limb-girdle muscular dystrophy type 2D. Last evaluated: 2022-07-19. Review status: criteria provided, single submitter. Criteria: Invitae Variant Classification Sherloc (09022015). Collection method: clinical testing. Allele origin: germline.
Comment: For these reasons, this variant has been classified as Pathogenic. ClinVar contains an entry for this variant (Variation ID: 497103). This premature translational stop signal has been observed in individuals with SGCA-related conditions (Invitae). This variant is not present in population databases (gnomAD no frequency). This sequence change creates a premature translational stop signal (p.Asn109Ilefs*7) in the SGCA gene. It is expected to result in an absent or disrupted protein product. Loss-of-function variants in SGCA are known to be pathogenic (PMID: 9192266).

Revvity Omics, Revvity
Classification: Pathogenic for Autosomal recessive limb-girdle muscular dystrophy type 2D. Last evaluated: 2019-02-15. Review status: criteria provided, single submitter. Criteria: ACMG Guidelines, 2015. Collection method: clinical testing. Allele origin: germline.

Eurofins Ntd Llc (ga)
Classification: Likely pathogenic. Last evaluated: 2016-07-18. Review status: criteria provided, single submitter. Criteria: EGL Classification Definitions 2015. Collection method: clinical testing. Allele origin: germline. Observed: 1 variant allele, 1 homozygote.

Literature cited by the submitters: PubMed 9192266 (cited by Labcorp Genetics (formerly Invitae), Labcorp).